The following is an entry in ClinVar:

ClinVar aggregate classification (germline): Uncertain significance (1 of 4 stars; one submission).

Conditions:
Familial adenomatous polyposis 2. Also called: MUTYH-associated polyposis; MUTYH-related attenuated familial adenomatous polyposis; COLORECTAL ADENOMATOUS POLYPOSIS, AUTOSOMAL RECESSIVE; ADENOMAS, MULTIPLE COLORECTAL, AUTOSOMAL RECESSIVE; MYH-associated polyposis; MUTYH Polyposis. Identifiers: Orphanet 220460, Orphanet 247798, MedGen C3272841, MONDO:0012041, OMIM 608456.

Submission:

Labcorp Genetics (formerly Invitae), Labcorp
Classification: Uncertain significance for Familial adenomatous polyposis 2. Last evaluated: 2025-01-01. Review status: criteria provided, single submitter. Criteria: Invitae Variant Classification Sherloc (09022015). Collection method: clinical testing. Allele origin: germline.
Comment: This sequence change replaces arginine, which is basic and polar, with glycine, which is neutral and non-polar, at codon 245 of the MUTYH protein (p.Arg245Gly). This variant is not present in population databases (gnomAD no frequency). This variant has not been reported in the literature in individuals affected with MUTYH-related conditions. An algorithm developed to predict the effect of missense changes on protein structure and function (PolyPhen-2) suggests that this variant is likely to be disruptive. This variant disrupts the p.Arg245 amino acid residue in MUTYH. Other variant(s) that disrupt this residue have been determined to be pathogenic (PMID: 15890374, 17949294, 23108399, 25820570). This suggests that this residue is clinically significant, and that variants that disrupt this residue are likely to be disease-causing. In summary, the available evidence is currently insufficient to determine the role of this variant in disease. Therefore, it has been classified as a Variant of Uncertain Significance.

Literature cited by the submitters: PubMed 15890374; PubMed 17949294; PubMed 23108399; PubMed 25820570.

NM_001048174.2(MUTYH):c.649C>G (p.Arg217Gly)

Gene: MUTYH (mutY DNA glycosylase; minus strand). Cytogenetic location: 1p34.1.
Variant type: single nucleotide variant.
Coding change: c.649C>G on transcript NM_001048174.2 (MANE Select); coding-DNA position 649, C replaced by G.
Protein change: p.Arg217Gly; replaces arginine 217 with glycine.
Molecular consequence: missense variant. On other transcripts: non-coding transcript variant (7).
Genome position (GRCh38, 1-based): chr1:45,332,446, G>C on the plus strand (C>G on the coding strand, the complement: MUTYH is on the minus strand). VCF-style: chr1-45332446-G-C. GRCh37 (hg19) VCF-style: chr1-45798118-G-C.
Other names: c.649C>G, p.Arg217Gly (NM_001407072.1, NM_001407073.1, NM_001048173.2 and 6 more transcripts); c.565C>G, p.Arg189Gly (NM_001407075.1); c.682C>G, p.Arg228Gly (NM_001407077.1, NM_001293191.2, NM_001407069.1); c.652C>G, p.Arg218Gly (NM_001048172.2, NM_001407078.1, NM_001407086.1 and 1 more transcripts); c.733C>G, p.Arg245Gly (NM_001128425.2); c.694C>G, p.Arg232Gly (NM_001293190.2); c.373C>G, p.Arg125Gly (NM_001293192.2, NM_001407091.1, NM_001293196.2); c.610C>G, p.Arg204Gly (NM_001407079.1); and 5 more; short protein forms R204G, R217G, R224G, R102G, R189G, R218G, R228G, R232G.
Identifiers: ClinVar variation 3728391 (VCV003728391.2).
Genomic context (GRCh38, chr1:45,332,446, plus strand): 5'-CCTACCAGAGCTGCTGGGAAACAAGGGTGCTGCTGGGATCAGCACCAATGGCTCGGACAC[G>C]GCACAGCACCCGTGCTACGTTGCCATCCACCACACCGGTTGCCTGGCACAGAGGGGCCAA-3'
Protein context (NP_001041639.1, residues 207-227): VDGNVARVLC[Arg217Gly]VRAIGADPSS